The following is an entry in ClinVar:

NM_201384.3(PLEC):c.3774C>G (p.Ile1258Met)

Gene: PLEC (plectin; minus strand). Cytogenetic location: 8q24.3.
Variant type: single nucleotide variant.
Coding change: c.3774C>G on transcript NM_201384.3 (MANE Select); coding-DNA position 3774, C replaced by G.
Protein change: p.Ile1258Met; replaces isoleucine 1258 with methionine.
Molecular consequence: missense variant.
Genome position (GRCh38, 1-based): chr8:143,927,318, G>C on the plus strand (C>G on the coding strand, the complement: PLEC is on the minus strand). VCF-style: chr8-143927318-G-C. GRCh37 (hg19) VCF-style: chr8-145001486-G-C.
Other names: c.3855C>G (NM_000445.3); c.3855C>G, p.Ile1285Met (NM_000445.5, NM_001410941.1); c.3732C>G, p.Ile1244Met (NM_201378.4); c.3708C>G, p.Ile1236Met (NM_201379.3); c.4185C>G, p.Ile1395Met (NM_201380.4); c.3678C>G, p.Ile1226Met (NM_201381.3); c.3774C>G, p.Ile1258Met (NM_201382.4); c.3786C>G, p.Ile1262Met (NM_201383.3); short protein forms I1244M, I1258M, I1395M, I1285M, I1226M, I1236M, I1262M.
Identifiers: ClinVar variation 2153161 (VCV002153161.7), dbSNP rs200582060, ClinGen allele CA372564679.

ClinVar aggregate classification (germline): Uncertain significance. Review status: criteria provided, multiple submitters, no conflicts (2 of 4 stars). 3 submissions from 3 submitters: Uncertain significance (3). Last evaluated 2023-04-25.

Conditions:
Inborn genetic diseases. Identifiers: MedGen C0950123, MeSH D030342.
Epidermolysis bullosa simplex 5C, with pyloric atresia (EBS5C). Also called: PLEC-Related Epidermolysis Bullosa with Pyloric Atresia; Epidermolysis bullosa simplex with pyloric atresia; PLEC1-Related Epidermolysis Bullosa with Pyloric Atresia. Identifiers: Orphanet 158684, MedGen C2677349, MONDO:0012807, OMIM 612138.
Autosomal recessive limb-girdle muscular dystrophy type 2Q (LGMDR17). Also called: MUSCULAR DYSTROPHY, LIMB-GIRDLE, AUTOSOMAL RECESSIVE 17. Identifiers: Orphanet 254361, MedGen C3150989, MONDO:0013390, OMIM 613723.
Epidermolysis bullosa simplex 5B, with muscular dystrophy (EBS5B). Also called: EPIDERMOLYSIS BULLOSA SIMPLEX AND LIMB-GIRDLE MUSCULAR DYSTROPHY; Epidermolysis bullosa simplex with muscular dystrophy. Identifiers: Orphanet 257, MedGen C2931072, MONDO:0009181, OMIM 226670.
Epidermolysis bullosa simplex, Ogna type (EBS5A). Also called: Pidermolysis bullosa simplex 5A, Ogna type; EPIDERMOLYSIS BULLOSA SIMPLEX 5A, OGNA TYPE. Identifiers: Orphanet 79401, MedGen C0432317, MONDO:0007555, OMIM 131950.
Epidermolysis bullosa simplex with nail dystrophy (EBS5D). Identifiers: MedGen C4225309, MONDO:0014661, OMIM 616487.

Submissions (3):

Ambry Genetics
Classification: Uncertain significance for Inborn genetic diseases. Last evaluated: 2023-04-25. Review status: criteria provided, single submitter. Criteria: Ambry Variant Classification Scheme 2023. Collection method: clinical testing. Allele origin: germline.

Blueprint Genetics
Classification: Uncertain significance. Last evaluated: 2023-02-10. Review status: criteria provided, single submitter. Criteria: ACMG Guidelines, 2015. Collection method: clinical testing. Allele origin: germline.

Labcorp Genetics (formerly Invitae), Labcorp
Classification: Uncertain significance for Autosomal recessive limb-girdle muscular dystrophy type 2Q; Epidermolysis bullosa simplex, Ogna type; Epidermolysis bullosa simplex with nail dystrophy; Epidermolysis bullosa simplex 5C, with pyloric atresia; Epidermolysis bullosa simplex 5B, with muscular dystrophy. Last evaluated: 2022-08-16. Review status: criteria provided, single submitter. Criteria: Invitae Variant Classification Sherloc (09022015). Collection method: clinical testing. Allele origin: germline.
Comment: In summary, the available evidence is currently insufficient to determine the role of this variant in disease. Therefore, it has been classified as a Variant of Uncertain Significance. Algorithms developed to predict the effect of missense changes on protein structure and function are either unavailable or do not agree on the potential impact of this missense change (SIFT: "Deleterious"; PolyPhen-2: "Not Available"; Align-GVGD: "Class C0"). This variant has not been reported in the literature in individuals affected with PLEC-related conditions. This variant is present in population databases (no rsID available, gnomAD 0.02%). This sequence change replaces isoleucine, which is neutral and non-polar, with methionine, which is neutral and non-polar, at codon 1285 of the PLEC protein (p.Ile1285Met).